The following is an entry in ClinVar:

ClinVar aggregate classification (germline): Pathogenic/Likely pathogenic. Review status: criteria provided, multiple submitters, no conflicts (2 of 4 stars). 13 submissions from 12 submitters: Pathogenic (2); Likely pathogenic (9). 2 of the submissions do not count toward it. Last evaluated 2026-03-19.

Conditions:
Maturity-onset diabetes of the young type 13. Also called: MODY, TYPE 13. Identifiers: Orphanet 552, MedGen C4225365, MONDO:0014589, OMIM 616329.
Type 2 diabetes mellitus. Also called: Type II diabetes mellitus. Identifiers: MedGen C0011860, MeSH D003924, MONDO:0005148, OMIM 125853, HP:0005978.
Hyperinsulinemic hypoglycemia, familial, 2. Also called: HYPERINSULINEMIC HYPOGLYCEMIA, PERSISTENT; HYPERINSULINISM, NEONATAL. Identifiers: Orphanet 276580, Orphanet 276603, MedGen C2931833, MONDO:0011153, OMIM 601820. Disease mechanism: loss of function.
Diabetes mellitus, permanent neonatal 2. Also called: KCNJ11-Related Permanent Neonatal Diabetes Mellitus. Identifiers: MedGen C5394296, MONDO:0030087, OMIM 618856.
Diabetes mellitus, transient neonatal, 3 (TNDM3). Identifiers: Orphanet 99886, MedGen C1864623, MONDO:0012522, OMIM 610582. Disease mechanism: loss of function.
Permanent neonatal diabetes mellitus (PNDM). Identifiers: Orphanet 99885, MedGen C1833104, MONDO:0100164, MONDO:0011643. Disease mechanism: gain of function.
Maturity-onset diabetes of the young (MODY). Also called: Maturity onset diabetes mellitus in young. Identifiers: Orphanet 552, MedGen C0342276, MONDO:0018911, HP:0004904.
Familial hyperinsulinism. Also called: Congenital hyperinsulinism. Identifiers: Orphanet 276525, MedGen C3888018, MONDO:0017182. Disease mechanism: loss of function.

Allele frequency attached by ClinVar (database versions not stated): TOPMed 0.00002; gnomAD 0.00003; ExAC 0.00005; gnomAD exomes 0.00002.
gnomAD v4.1: 16 of 1,614,178 alleles (0.00099%); highest among the groups gnomAD compares: East Asian, 0.0022%; no homozygotes.

Submissions (13):

GeneDx
Classification: Likely pathogenic. Last evaluated: 2026-03-19. Review status: criteria provided, single submitter. Criteria: GeneDx Variant Classification Process June 2021. Collection method: clinical testing. Allele origin: germline.
Comment: Published functional studies demonstrate a damaging effect on surface expression and channel activity (PMID: 19357197); In silico analysis supports that this missense variant has a deleterious effect on protein structure/function; This variant is associated with the following publications: (PMID: 17114887, 26545876, 38033998, 30086540, 36339418, 33762279, 19357197)

3billion
Classification: Likely pathogenic for Hyperinsulinemic hypoglycemia, familial, 2. Last evaluated: 2025-12-22. Review status: criteria provided, single submitter. Criteria: ACMG Guidelines, 2015. Collection method: clinical testing. Allele origin: germline. Affected: yes.
Comment: The variant is observed at an extremely low frequency in the gnomAD v4.1.0 dataset (total allele frequency: <0.001%). Predicted Consequence/Location: Missense variant In silico tool predictions suggest damaging effect of the variant on gene or gene product [REVEL: 0.96 (>=0.6, sensitivity 0.68 and specificity 0.92); 3Cnet: 0.99 (> 0.75, sensitivity 0.96 and precision 0.92)]. The same nucleotide change resulting in the same amino acid change has been previously reported as pathogenic/likely pathogenic with strong evidence (ClinVar ID: VCV000008686 /PMID: 17114887). A different missense change at the same codon (p.Glu282Gln) has been reported to be associated with KCNJ11-related disorder (ClinVar ID: VCV002725519). Therefore, this variant is classified as Likely pathogenic according to the recommendation of ACMG/AMP guideline.

Women's Health and Genetics/Laboratory Corporation of America, LabCorp
Classification: Pathogenic for Familial hyperinsulinism. Last evaluated: 2025-05-30. Review status: criteria provided, single submitter. Criteria: LabCorp Variant Classification Summary - May 2015. Collection method: clinical testing. Allele origin: germline.
Comment: Variant summary: KCNJ11 c.844G>A (p.Glu282Lys) results in a conservative amino acid change in the encoded protein sequence. Algorithms developed to predict the effect of missense changes on protein structure and function are either unavailable or do not agree on the potential impact of this missense change. The variant allele was found at a frequency of 2.4e-05 in 251390 control chromosomes. c.844G>A has been observed in the heterozygous state (paternally inherited) or homozygous state in multiple individual(s) affected with autosomal recessive (or pseudo-dominant) Congenital Hyperinsulinism (example, Garegrat_2021, Snider_2013, Christesen_2007, Mohnike_2014). These data indicate that the variant is likely to be associated with disease. At least one publication reports experimental evidence evaluating an impact on protein function. The most pronounced variant effect results in <10% of normal activity and a severe protein localization defect (example, Taneja_2009). The following publications have been ascertained in the context of this evaluation (PMID: 33762279, 23275527, 19357197, 17114887, 24401662). ClinVar contains an entry for this variant (Variation ID: 8686). To our knowledge, this variant has not been reported in individuals with autosomal dominant KCNJ11-related conditions. Based on the evidence outlined above, the variant was classified as pathogenic for autosomal recessive congenital hyperinsulinism.

Fulgent Genetics
Classification: Likely pathogenic for Type 2 diabetes mellitus; Hyperinsulinemic hypoglycemia, familial, 2; Diabetes mellitus, transient neonatal, 3; Maturity-onset diabetes of the young type 13; Diabetes mellitus, permanent neonatal 2. Last evaluated: 2024-06-20. Review status: criteria provided, single submitter. Criteria: ACMG Guidelines, 2015. Collection method: clinical testing. Allele origin: germline.

Revvity Omics, Revvity
Classification: Likely pathogenic. Last evaluated: 2024-06-20. Review status: criteria provided, single submitter. Criteria: ACMG Guidelines, 2015. Collection method: clinical testing. Allele origin: germline.

Natera, Inc.
Classification: Likely pathogenic for Permanent neonatal diabetes mellitus. Last evaluated: 2024-04-16. Review status: criteria provided, single submitter. Criteria: Natera Variant Classification Schema (03/2026). Collection method: clinical testing. Allele origin: germline.
Comment: The c.844G>A variant in KCNJ11 is a missense variant predicted to cause substitution of glutamic acid to lysine at amino acid 282. This variant is rare in the general population with a frequency below the threshold expected for the associated phenotype(s). This variant has been observed in one or more individuals affected with the associated recessive disease, as either homozygous or compound heterozygous with a second variant (PMID: 33762279). Functional studies show that this variant may disrupt protein function (PMID: 19357197). Computational prediction algorithms indicate this variant is likely to affect gene or protein function. Given the available evidence, this variant is classified as Likely Pathogenic.

Baylor Genetics
Classification: Likely pathogenic for Type 2 diabetes mellitus. Last evaluated: 2024-02-14. Review status: criteria provided, single submitter. Criteria: ACMG Guidelines, 2015. Collection method: clinical testing. Allele origin: unknown.

Labcorp Genetics (formerly Invitae), Labcorp
Classification: Likely pathogenic. Last evaluated: 2023-12-30. Review status: criteria provided, single submitter. Criteria: Invitae Variant Classification Sherloc (09022015). Collection method: clinical testing. Allele origin: germline.
Comment: This sequence change replaces glutamic acid, which is acidic and polar, with lysine, which is basic and polar, at codon 282 of the KCNJ11 protein (p.Glu282Lys). This variant is present in population databases (rs267607196, gnomAD 0.004%). This missense change has been observed in individuals with autosomal recessive diffuse or paternally inherited focal hyperinsulinism (PMID: 17114887, 33762279). ClinVar contains an entry for this variant (Variation ID: 8686). Advanced modeling of protein sequence and biophysical properties (such as structural, functional, and spatial information, amino acid conservation, physicochemical variation, residue mobility, and thermodynamic stability) performed at Invitae indicates that this missense variant is expected to disrupt KCNJ11 protein function with a positive predictive value of 95%. Experimental studies have shown that this missense change affects KCNJ11 function (PMID: 17956278, 19357197). In summary, the currently available evidence indicates that the variant is pathogenic, but additional data are needed to prove that conclusively. Therefore, this variant has been classified as Likely Pathogenic.

Fulgent Genetics
Classification: Likely pathogenic for Type 2 diabetes mellitus; Hyperinsulinemic hypoglycemia, familial, 2; Permanent neonatal diabetes mellitus 1; Diabetes mellitus, transient neonatal, 3; Maturity-onset diabetes of the young type 13. Last evaluated: 2018-10-31. Review status: criteria provided, single submitter. Criteria: ACMG Guidelines, 2015. Collection method: clinical testing. Allele origin: unknown.

Genetic Services Laboratory, University of Chicago
Classification: Pathogenic for Hyperinsulinemic hypoglycemia, familial, 2. Last evaluated: 2015-01-05. Review status: criteria provided, single submitter. Criteria: ACMG Guidelines, 2015. Collection method: clinical testing. Allele origin: germline. Affected: yes.

Juno Genomics, Hangzhou Juno Genomics, Inc
Classification: Likely pathogenic for Hyperinsulinemic hypoglycemia, familial, 2. Review status: criteria provided, single submitter. Criteria: ACMG Guidelines, 2015. Collection method: clinical testing. Allele origin: germline.
Comment: Absent from controls (or at extremely low frequency if recessive) in Genome Aggregation Database.;The prevalence of the variant in affected individuals is significantly increased compared to the prevalence in controls.;Patient's phenotype or family history is highly specific for a disease with a single genetic etiology.;Well-established in vitro or in vivo functional studies supportive of a damaging effect on the gene or gene product.

OMIM
Classification: Pathogenic for HYPERINSULINEMIC HYPOGLYCEMIA, FAMILIAL, 2. Last evaluated: 2009-07-01. Review status: no assertion criteria provided. Collection method: literature only. Allele origin: germline. Not counted in ClinVar's aggregate classification.

Clinical Genomics, Uppaluri K&H Personalized Medicine Clinic
Classification: Uncertain significance for Maturity-onset diabetes of the young. Review status: flagged submission. Criteria: K&H Uppaluri Personalized Medicine Clinic Variant Classification & Assertion Criteria. Collection method: research. Allele origin: somatic. Inheritance: Autosomal dominant inheritance. Not counted in ClinVar's aggregate classification.
Comment: Mutations in KCNJ11 gene can cause decreased production and secretion of insulin. This can lead to MODY which may be responsive to oral sulfonylureas. It is also associated with Neonatal Diabetes. However, no sufficient evidence is found to ascertain the role of rs267607196 variant in MODY yet.
ClinVar note: Reason: Outlier claim with insufficient supporting evidence

Literature cited by the submitters: PubMed 17114887 (cited by 3 submitters); PubMed 23275527 (cited by Women's Health and Genetics/Laboratory Corporation of America, LabCorp); PubMed 24401662 (cited by Women's Health and Genetics/Laboratory Corporation of America, LabCorp); PubMed 33762279 (cited by 3 submitters); PubMed 19357197 (cited by 4 submitters); PubMed 17956278 (cited by Labcorp Genetics (formerly Invitae), Labcorp); PubMed 26448950 (cited by Clinical Genomics, Uppaluri K&H Personalized Medicine Clinic); PubMed 15580558 (cited by Clinical Genomics, Uppaluri K&H Personalized Medicine Clinic); PubMed 15718250 (cited by Clinical Genomics, Uppaluri K&H Personalized Medicine Clinic); PubMed 32935446 (cited by Clinical Genomics, Uppaluri K&H Personalized Medicine Clinic); PubMed 22701567 (cited by Clinical Genomics, Uppaluri K&H Personalized Medicine Clinic).

NM_000525.4(KCNJ11):c.844G>A (p.Glu282Lys)

Gene: KCNJ11 (potassium inwardly rectifying channel subfamily J member 11; minus strand). Cytogenetic location: 11p15.1.
Variant type: single nucleotide variant.
Coding change: c.844G>A on transcript NM_000525.4 (MANE Select); coding-DNA position 844, G replaced by A.
Protein change: p.Glu282Lys; replaces glutamic acid 282 with lysine.
Molecular consequence: missense variant.
Genome position (GRCh38, 1-based): chr11:17,387,248, C>T on the plus strand (G>A on the coding strand, the complement: KCNJ11 is on the minus strand). VCF-style: chr11-17387248-C-T. GRCh37 (hg19) VCF-style: chr11-17408795-C-T.
Other names: c.583G>A, p.Glu195Lys (NM_001166290.2, NM_001377296.1, NM_001377297.1); short protein forms E282K, E195K.
Identifiers: ClinVar variation 8686 (VCV000008686.21), dbSNP rs267607196, ClinGen allele CA254526.